The following is an entry in ClinVar:

ClinVar aggregate classification (germline): Pathogenic (1 of 4 stars; one submission).

Submission:

Labcorp Genetics (formerly Invitae), Labcorp
Classification: Pathogenic. Last evaluated: 2024-01-09. Review status: criteria provided, single submitter. Criteria: Invitae Variant Classification Sherloc (09022015). Collection method: clinical testing. Allele origin: germline.
Comment: This sequence change creates a premature translational stop signal (p.Arg609Leufs*9) in the HPS4 gene. It is expected to result in an absent or disrupted protein product. Loss-of-function variants in HPS4 are known to be pathogenic (PMID: 12664304). This variant is not present in population databases (gnomAD no frequency). This variant has not been reported in the literature in individuals affected with HPS4-related conditions. For these reasons, this variant has been classified as Pathogenic.

Literature cited by the submitters: PubMed 12664304.

NM_022081.6(HPS4):c.1818_1825dup (p.Arg609fs)

Gene: HPS4 (HPS4 biogenesis of lysosomal organelles complex 3 subunit 2; minus strand). Cytogenetic location: 22q12.1.
Variant type: Duplication.
Coding change: c.1818_1825dup on transcript NM_022081.6 (MANE Select); coding-DNA positions 1818 to 1825, 8 bases duplicated (TTACGACC; older notation c.1818_1825dupTTACGACC).
Protein change: p.Arg609fs; shifts the reading frame from arginine 609.
Molecular consequence: frameshift variant. On other transcripts: non-coding transcript variant (8), intron variant (2).
Genome position (GRCh38, 1-based): chr22:26,458,466-26,458,473, GGTCGTAA duplicated on the plus strand (TTACGACC on the coding strand, the reverse complement: HPS4 is on the minus strand). VCF-style (leftmost placement, unchanged base first): chr22-26458465-C-CGGTCGTAA. GRCh37 (hg19) VCF-style: chr22-26854431-C-CGGTCGTAA.
Other names: c.1818_1825dup, p.Arg609fs (NM_001349896.1, NM_001349898.2, NM_001349899.2 and 3 more transcripts); c.1872_1879dup, p.Arg627fs (NM_001349900.2, NM_001349901.1); c.1803_1810dup, p.Arg604fs (NM_152841.2); c.1714-5069_1714-5062dup (NM_001349902.1, NM_001349903.2); short protein forms R604fs, R627fs, R609fs.
Identifiers: ClinVar variation 2708500 (VCV002708500.3), dbSNP rs2518060168, ClinGen allele CA2697552591.